The following is an entry in ClinVar:

NM_001018115.3(FANCD2):c.3493C>T (p.Arg1165Trp)

Genes: FANCD2 (FA complementation group D2; plus strand), FANCD2OS (FANCD2 opposite strand; minus strand). Cytogenetic location: 3p25.3.
Variant type: single nucleotide variant.
Coding change: c.3493C>T on transcript NM_001018115.3 (MANE Select); coding-DNA position 3493, C replaced by T.
Protein change: p.Arg1165Trp; replaces arginine 1165 with tryptophan.
Molecular consequence: missense variant. On other transcripts: intron variant (1).
Genome position (GRCh38, 1-based): chr3:10,088,475, C>T. VCF-style: chr3-10088475-C-T. GRCh37 (hg19) VCF-style: chr3-10130159-C-T.
Other names: c.3382C>T, p.Arg1128Trp (NM_001374253.1); c.3493C>T, p.Arg1165Trp (NM_001374254.1, NM_033084.6, NM_001319984.2); c.*44-6944G>A (NM_173472.2); short protein forms R1165W, R1128W.
Identifiers: ClinVar variation 1410099 (VCV001410099.5), dbSNP rs759348779, ClinGen allele CA2250422.

ClinVar aggregate classification (germline): Uncertain significance (1 of 4 stars; one submission).

Conditions:
Fanconi anemia (FA). Also called: Fanconi's anemia. Identifiers: Orphanet 84, MedGen C0015625, MeSH D005199, MONDO:0019391.

Allele frequency attached by ClinVar (database versions not stated): gnomAD exomes 0.00002; ExAC 0.00002.
gnomAD v4.1: 19 of 1,611,004 alleles (0.0012%); highest among the groups gnomAD compares: African/African-American, 0.0027%; no homozygotes.

Submission:

Labcorp Genetics (formerly Invitae), Labcorp
Classification: Uncertain significance for Fanconi anemia. Last evaluated: 2024-02-15. Review status: criteria provided, single submitter. Criteria: Invitae Variant Classification Sherloc (09022015). Collection method: clinical testing. Allele origin: germline.
Comment: This sequence change replaces arginine, which is basic and polar, with tryptophan, which is neutral and slightly polar, at codon 1165 of the FANCD2 protein (p.Arg1165Trp). This variant is present in population databases (rs759348779, gnomAD 0.004%). This missense change has been observed in individual(s) with clinical features of Fanconi anemia (PMID: 30250602). ClinVar contains an entry for this variant (Variation ID: 1410099). Advanced modeling of protein sequence and biophysical properties (such as structural, functional, and spatial information, amino acid conservation, physicochemical variation, residue mobility, and thermodynamic stability) performed at Invitae indicates that this missense variant is expected to disrupt FANCD2 protein function with a positive predictive value of 80%. In summary, the available evidence is currently insufficient to determine the role of this variant in disease. Therefore, it has been classified as a Variant of Uncertain Significance.

Literature cited by the submitters: PubMed 30250602.